The following is an entry in ClinVar:

NM_018082.6(POLR3B):c.72+5G>T

Gene: POLR3B (RNA polymerase III subunit B; plus strand). Cytogenetic location: 12q23.3.
Variant type: single nucleotide variant.
Coding change: c.72+5G>T on transcript NM_018082.6 (MANE Select); 5 bases into the intron after coding-DNA position 72, G replaced by T.
Molecular consequence: intron variant.
Genome position (GRCh38, 1-based): chr12:106,357,956, G>T. VCF-style: chr12-106357956-G-T. GRCh37 (hg19) VCF-style: chr12-106751734-G-T.
Identifiers: ClinVar variation 3731253 (VCV003731253.1).

ClinVar aggregate classification (germline): Uncertain significance (1 of 4 stars; one submission).

Submission:

GeneDx
Classification: Uncertain significance. Last evaluated: 2024-08-16. Review status: criteria provided, single submitter. Criteria: GeneDx Variant Classification Process June 2021. Collection method: clinical testing. Allele origin: germline. Affected: yes.
Comment: Not observed at significant frequency in large population cohorts (gnomAD); Has not been previously published as pathogenic or benign to our knowledge; In silico analysis suggests this variant may impact gene splicing. In the absence of RNA/functional studies, the actual effect of this sequence change is unknown.